The following is an entry in ClinVar:

ClinVar aggregate classification (germline): Pathogenic (1 of 4 stars; one submission).

Conditions:
Holoprosencephaly 5 (HPE5). Identifiers: Orphanet 2162, MedGen C1864827, MONDO:0012322, OMIM 609637.

Submission:

Labcorp Genetics (formerly Invitae), Labcorp
Classification: Pathogenic for Holoprosencephaly 5. Last evaluated: 2024-06-22. Review status: criteria provided, single submitter. Criteria: Invitae Variant Classification Sherloc (09022015). Collection method: clinical testing. Allele origin: germline.
Comment: This sequence change creates a premature translational stop signal (p.Ser151*) in the ZIC2 gene. It is expected to result in an absent or disrupted protein product. Loss-of-function variants in ZIC2 are known to be pathogenic (PMID: 19177455). This variant is not present in population databases (gnomAD no frequency). This variant has not been reported in the literature in individuals affected with ZIC2-related conditions. For these reasons, this variant has been classified as Pathogenic.

Literature cited by the submitters: PubMed 19177455.

NM_007129.5(ZIC2):c.452C>A (p.Ser151Ter)

Gene: ZIC2 (Zic family zinc finger 2; plus strand). Cytogenetic location: 13q32.3.
Variant type: single nucleotide variant.
Coding change: c.452C>A on transcript NM_007129.5 (MANE Select); coding-DNA position 452, C replaced by A.
Protein change: p.Ser151Ter; replaces serine 151 with a stop codon.
Molecular consequence: nonsense.
Genome position (GRCh38, 1-based): chr13:99,982,516, C>A. VCF-style: chr13-99982516-C-A. GRCh37 (hg19) VCF-style: chr13-100634770-C-A.
Other names: short protein forms S151*.
Identifiers: ClinVar variation 3657484 (VCV003657484.2).